The following is an entry in ClinVar:

ClinVar aggregate classification (germline): Uncertain significance (1 of 4 stars; one submission).

Conditions:
Duchenne muscular dystrophy (DMD). Also called: MUSCULAR DYSTROPHY, PSEUDOHYPERTROPHIC PROGRESSIVE, DUCHENNE TYPE; Duchenne Muscular Dystrophy (DMD). Identifiers: Orphanet 98896, MedGen C0013264, MONDO:0010679, OMIM 310200.

Allele frequency attached by ClinVar (database versions not stated): gnomAD exomes below 0.00001.
gnomAD v4.1: 1 of 1,210,683 alleles (0.000083%); highest among the groups gnomAD compares: Non-Finnish European, 0.00011%; no homozygotes.

Submission:

Labcorp Genetics (formerly Invitae), Labcorp
Classification: Uncertain significance for Duchenne muscular dystrophy. Last evaluated: 2023-01-28. Review status: criteria provided, single submitter. Criteria: Invitae Variant Classification Sherloc (09022015). Collection method: clinical testing. Allele origin: germline.
Comment: This sequence change replaces proline, which is neutral and non-polar, with alanine, which is neutral and non-polar, at codon 1464 of the DMD protein (p.Pro1464Ala). This variant is not present in population databases (gnomAD no frequency). This variant has not been reported in the literature in individuals affected with DMD-related conditions. Advanced modeling of protein sequence and biophysical properties (such as structural, functional, and spatial information, amino acid conservation, physicochemical variation, residue mobility, and thermodynamic stability) performed at Invitae indicates that this missense variant is not expected to disrupt DMD protein function. In summary, the available evidence is currently insufficient to determine the role of this variant in disease. Therefore, it has been classified as a Variant of Uncertain Significance.

NM_004006.3(DMD):c.4390C>G (p.Pro1464Ala)

Gene: DMD (dystrophin; minus strand). Cytogenetic location: Xp21.1.
Variant type: single nucleotide variant.
Coding change: c.4390C>G on transcript NM_004006.3 (MANE Select); coding-DNA position 4390, C replaced by G.
Protein change: p.Pro1464Ala; replaces proline 1464 with alanine.
Molecular consequence: missense variant.
Genome position (GRCh38, 1-based): chrX:32,389,629, G>C on the plus strand (C>G on the coding strand, the complement: DMD is on the minus strand). VCF-style: chrX-32389629-G-C. GRCh37 (hg19) VCF-style: chrX-32407746-G-C.
Other names: c.4366C>G, p.Pro1456Ala (NM_000109.4); c.4378C>G, p.Pro1460Ala (NM_004009.3); c.4021C>G, p.Pro1341Ala (NM_004010.3); c.367C>G, p.Pro123Ala (NM_004011.4); c.358C>G, p.Pro120Ala (NM_004012.4); short protein forms P1464A, P123A, P1341A, P120A, P1456A, P1460A.
Identifiers: ClinVar variation 2809132 (VCV002809132.3), dbSNP rs2523118345, ClinGen allele CA412663652.